The following is an entry in ClinVar:

ClinVar aggregate classification (germline): Benign. Review status: criteria provided, multiple submitters, no conflicts (2 of 4 stars). 3 submissions from 3 submitters: Benign (2). 1 of the submissions does not count toward it. Last evaluated 2026-02-01.

Conditions:
FBN3-related disorder. Also called: FBN3-related condition.

Allele frequency attached by ClinVar (database versions not stated): ESP Exome Variant Server 0.01868; 1000 Genomes Project 0.01917; TOPMed 0.01649; 1000 Genomes Project 30x 0.02108.
gnomAD v4.1: 4,952 of 1,614,126 alleles (0.31%); highest among the groups gnomAD compares: African/African-American, 5.6%; 140 homozygotes.

Submissions (3):

Labcorp Genetics (formerly Invitae), Labcorp
Classification: Benign. Last evaluated: 2026-02-01. Review status: criteria provided, single submitter. Criteria: Invitae Variant Classification Sherloc (09022015). Collection method: clinical testing. Allele origin: germline.

Breakthrough Genomics
Classification: Benign. Review status: criteria provided, single submitter. Criteria: ACMG Guidelines, 2015. Collection method: not provided. Allele origin: germline. Inheritance: Unknown mechanism. Affected: yes.

PreventionGenetics, part of Exact Sciences
Classification: Benign for FBN3-related condition. Last evaluated: 2019-03-10. Review status: no assertion criteria provided. Collection method: clinical testing. Allele origin: germline. Not counted in ClinVar's aggregate classification.
Comment: This variant is classified as benign based on ACMG/AMP sequence variant interpretation guidelines (Richards et al. 2015 PMID: 25741868, with internal and published modifications).

NM_032447.5(FBN3):c.2993C>T (p.Thr998Met)

Gene: FBN3 (fibrillin 3; minus strand). Cytogenetic location: 19p13.2.
Variant type: single nucleotide variant.
Coding change: c.2993C>T on transcript NM_032447.5 (MANE Select); coding-DNA position 2993, C replaced by T.
Protein change: p.Thr998Met; replaces threonine 998 with methionine.
Molecular consequence: missense variant.
Genome position (GRCh38, 1-based): chr19:8,123,553, G>A on the plus strand (C>T on the coding strand, the complement: FBN3 is on the minus strand). VCF-style: chr19-8123553-G-A. GRCh37 (hg19) VCF-style: chr19-8188437-G-A.
Other names: c.2993C>T, p.Thr998Met (NM_001321431.2); c.2993C>T (NM_001321431.1); short protein forms T998M.
Identifiers: ClinVar variation 768959 (VCV000768959.13), dbSNP rs61729603, ClinGen allele CA9152631.